The following is an entry in ClinVar:

ClinVar aggregate classification (germline): Uncertain significance (1 of 4 stars; one submission).

Conditions:
Retinoblastoma (RB1). Also called: RETINOBLASTOMA, SOMATIC. Identifiers: Orphanet 790, MedGen C0035335, MeSH D012175, MONDO:0008380, OMIM 180200, HP:0009919. Disease mechanism: loss of function. Inheritance: Both sporadic and heritable forms are tested..

Submission:

Labcorp Genetics (formerly Invitae), Labcorp
Classification: Uncertain significance for Retinoblastoma. Last evaluated: 2018-06-20. Review status: criteria provided, single submitter. Criteria: Invitae Variant Classification Sherloc (09022015). Collection method: clinical testing. Allele origin: germline.
Comment: This sequence change falls in intron 17 of the RB1 gene. It does not directly change the encoded amino acid sequence of the RB1 protein, but it affects a nucleotide within the consensus splice site of the intron. This variant is not present in population databases (ExAC no frequency). This variant has not been reported in the literature in individuals with RB1-related disease. Nucleotide substitutions within the consensus splice site are a relatively common cause of aberrant splicing (PMID: 17576681, 9536098). Algorithms developed to predict the effect of sequence changes on RNA splicing suggest that this variant may disrupt the consensus splice site, but this prediction has not been confirmed by published transcriptional studies. In summary, the available evidence is currently insufficient to determine the role of this variant in disease. Therefore, it has been classified as a Variant of Uncertain Significance.

Literature cited by the submitters: PubMed 17576681; PubMed 9536098.

NM_000321.3(RB1):c.1695+2dup

Gene: RB1 (RB transcriptional corepressor 1; plus strand). Cytogenetic location: 13q14.2.
Variant type: Duplication.
Coding change: c.1695+2dup on transcript NM_000321.3 (MANE Select); the canonical splice donor site of the intron after coding-DNA position 1695, one base duplicated (T; older notation c.1695+2dupT).
Molecular consequence: splice donor variant.
Genome position (GRCh38, 1-based): chr13:48,381,445, T duplicated. VCF-style (leftmost placement, unchanged base first): chr13-48381444-G-GT. GRCh37 (hg19) VCF-style: chr13-48955580-G-GT.
Other names: c.1695+2dupT (NM_000321.2).
Identifiers: ClinVar variation 576237 (VCV000576237.6), dbSNP rs1566199647, ClinGen allele CA891844538.